The following is an entry in ClinVar:

NM_006031.6(PCNT):c.1837dup (p.Cys613fs)

Gene: PCNT (pericentrin; plus strand). Cytogenetic location: 21q22.3.
Variant type: Duplication.
Coding change: c.1837dup on transcript NM_006031.6 (MANE Select); coding-DNA position 1837, one base duplicated (T; older notation c.1837dupT).
Protein change: p.Cys613fs; shifts the reading frame from cysteine 613.
Molecular consequence: frameshift variant.
Genome position (GRCh38, 1-based): chr21:46,355,527, T duplicated. VCF-style (leftmost placement, unchanged base first): chr21-46355526-C-CT. GRCh37 (hg19) VCF-style: chr21-47775441-C-CT.
Other names: c.1483dup, p.Cys495fs (NM_001315529.2); short protein forms C495fs, C613fs.
Identifiers: ClinVar variation 2761804 (VCV002761804.3), dbSNP rs773040309, ClinGen allele CA10078785.
Genomic context (GRCh38, chr21:46,355,526, plus strand): 5'-CTTCCAGGCGGAGTTAGAAGAAAGCCACAGGCACCAGCTGGAAGCGCTGGAGTCTCCCCT[C>CT]TGCATCCAGCACGAGGGGCATGTCTCAGACAGATGCTGCGTAGAGACTTCAGCATTGGGA-3'

ClinVar aggregate classification (germline): Pathogenic (1 of 4 stars; one submission).

Allele frequency attached by ClinVar (database versions not stated): ExAC 0.00001; ESP Exome Variant Server 0.00008.

Submission:

Labcorp Genetics (formerly Invitae), Labcorp
Classification: Pathogenic. Last evaluated: 2023-09-19. Review status: criteria provided, single submitter. Criteria: Invitae Variant Classification Sherloc (09022015). Collection method: clinical testing. Allele origin: germline.
Comment: For these reasons, this variant has been classified as Pathogenic. This variant has not been reported in the literature in individuals affected with PCNT-related conditions. This variant is present in population databases (rs773040309, gnomAD 0.007%). This sequence change creates a premature translational stop signal (p.Cys613Leufs*29) in the PCNT gene. It is expected to result in an absent or disrupted protein product. Loss-of-function variants in PCNT are known to be pathogenic (PMID: 18174396, 22821869).

Literature cited by the submitters: PubMed 18174396; PubMed 22821869.